The following is an entry in ClinVar:

NM_007194.4(CHEK2):c.892T>G (p.Tyr298Asp)

Gene: CHEK2 (checkpoint kinase 2; minus strand). Cytogenetic location: 22q12.1.
Variant type: single nucleotide variant.
Coding change: c.892T>G on transcript NM_007194.4 (MANE Select); coding-DNA position 892, T replaced by G.
Protein change: p.Tyr298Asp; replaces tyrosine 298 with aspartic acid.
Molecular consequence: missense variant.
Genome position (GRCh38, 1-based): chr22:28,703,521, A>C on the plus strand (T>G on the coding strand, the complement: CHEK2 is on the minus strand). VCF-style: chr22-28703521-A-C. GRCh37 (hg19) VCF-style: chr22-29099509-A-C.
Other names: c.1021T>G, p.Tyr341Asp (NM_001005735.3); c.229T>G, p.Tyr77Asp (NM_001257387.3); c.691T>G, p.Tyr231Asp (NM_001349956.3); c.892T>G, p.Tyr298Asp (NM_145862.3); short protein forms Y298D, Y77D, Y341D, Y231D.
Identifiers: ClinVar variation 240760 (VCV000240760.12), dbSNP rs878854927, ClinGen allele CA10583905.
Genomic context (GRCh38, chr22:28,703,521, plus strand): 5'-GCATTTGAATGGAAACAGAAATTTTTAAAAAGTTTACTACTTACAATTCCAAAACAATAT[A>C]ATAATCTTCTGCATCAAAAAAGTTTTTAATCTTGATGATGCAAGGCTAAGAAGAGGGGGA-3'
Protein context (NP_009125.1, residues 288-308): IKNFFDAEDY[Tyr298Asp]IVLELMEGGE

ClinVar aggregate classification (germline): Uncertain significance. Review status: criteria provided, multiple submitters, no conflicts (2 of 4 stars). 2 submissions from 2 submitters: Uncertain significance (2). Last evaluated 2025-07-30.

Conditions:
Hereditary cancer-predisposing syndrome. Also called: Tumor predisposition; Neoplastic Syndromes, Hereditary; Hereditary Cancer Syndrome; Hereditary neoplastic syndrome. Identifiers: Orphanet 140162, MedGen C0027672, MeSH D009386, MONDO:0015356.
Familial cancer of breast. Also called: Hereditary breast cancer; BREAST CANCER, FAMILIAL; hereditary breast carcinoma. Identifiers: Orphanet 227535, MedGen C0346153, MONDO:0016419, OMIM 114480. Disease mechanism: loss of function.

Submissions (2):

Labcorp Genetics (formerly Invitae), Labcorp
Classification: Uncertain significance for Familial cancer of breast. Last evaluated: 2025-07-30. Review status: criteria provided, single submitter. Criteria: Invitae Variant Classification Sherloc (09022015). Collection method: clinical testing. Allele origin: germline.
Comment: This sequence change replaces tyrosine, which is neutral and polar, with aspartic acid, which is acidic and polar, at codon 298 of the CHEK2 protein (p.Tyr298Asp). This variant is not present in population databases (gnomAD no frequency). This variant has not been reported in the literature in individuals affected with CHEK2-related conditions. ClinVar contains an entry for this variant (Variation ID: 240760). An algorithm developed to predict the effect of missense changes on protein structure and function (PolyPhen-2) suggests that this variant is likely to be disruptive. In summary, the available evidence is currently insufficient to determine the role of this variant in disease. Therefore, it has been classified as a Variant of Uncertain Significance.

Ambry Genetics
Classification: Uncertain significance for Hereditary cancer-predisposing syndrome. Last evaluated: 2024-01-29. Review status: criteria provided, single submitter. Criteria: Ambry Variant Classification Scheme 2023. Collection method: clinical testing. Allele origin: germline.
Comment: The p.Y298D variant (also known as c.892T>G), located in coding exon 7 of the CHEK2 gene, results from a T to G substitution at nucleotide position 892. The tyrosine at codon 298 is replaced by aspartic acid, an amino acid with highly dissimilar properties. This amino acid position is well conserved in available vertebrate species. In addition, this alteration is predicted to be deleterious by in silico analysis. Since supporting evidence is limited at this time, the clinical significance of this alteration remains unclear.